The following is an entry in ClinVar:

NM_005120.3(MED12):c.5025+156_5025+157del

Gene: MED12 (mediator complex subunit 12; plus strand). Cytogenetic location: Xq13.1.
Variant type: Deletion.
Coding change: c.5025+156_5025+157del on transcript NM_005120.3 (MANE Select); bases 156 to 157 of the intron after coding-DNA position 5025, 2 bases deleted (TT; older notation c.5025+156_5025+157delTT).
Molecular consequence: intron variant.
Genome position (GRCh38, 1-based): chrX:71,135,409-71,135,410, TT deleted. VCF-style (leftmost placement, unchanged base first): chrX-71135408-CTT-C. GRCh37 (hg19) VCF-style: chrX-70355258-CTT-C.
Identifiers: ClinVar variation 674534 (VCV000674534.1), dbSNP rs34862123, ClinGen allele CA330982885.

ClinVar aggregate classification (germline): Benign (1 of 4 stars; one submission).

Allele frequency attached by ClinVar (database versions not stated): 1000 Genomes Project 30x 0.12737; TOPMed 0.22322; gnomAD 0.22808 and 0.23287.

Submission:

GeneDx
Classification: Benign. Last evaluated: 2018-06-14. Review status: criteria provided, single submitter. Criteria: GeneDx Variant Classification (06012015). Collection method: clinical testing. Allele origin: germline. Affected: yes.
Comment: This variant is considered likely benign or benign based on one or more of the following criteria: it is a conservative change, it occurs at a poorly conserved position in the protein, it is predicted to be benign by multiple in silico algorithms, and/or has population frequency not consistent with disease.